The following is an entry in ClinVar:

ClinVar aggregate classification (germline): Uncertain significance (1 of 4 stars; one submission).

gnomAD v4.1: 10 of 1,614,112 alleles (0.00062%); highest among the groups gnomAD compares: Non-Finnish European, 0.00085%; no homozygotes.

Submission:

Women's Health and Genetics/Laboratory Corporation of America, LabCorp
Classification: Uncertain significance. Last evaluated: 2026-05-18. Review status: criteria provided, single submitter. Criteria: LabCorp Variant Classification Summary - May 2015. Collection method: clinical testing. Allele origin: germline.
Comment: Variant summary: TGM6 c.257C>T (p.Thr86Ile) results in a non-conservative amino acid change in the encoded protein sequence. Algorithms developed to predict the effect of missense changes on protein structure and function are either unavailable or do not agree on the potential impact of this missense change. The variant allele was found at a frequency of 4e-06 in 251190 control chromosomes. The available data on variant occurrences in the general population are insufficient to allow any conclusion about variant significance. To our knowledge, no occurrence of c.257C>T in individuals affected with TGM6-related conditions and no experimental evidence demonstrating its impact on protein function have been reported. No submitters have cited clinical-significance assessments for this variant to ClinVar. Based on the evidence outlined above, the variant was classified as uncertain significance.

NM_198994.3(TGM6):c.257C>T (p.Thr86Ile)

Gene: TGM6 (transglutaminase 6; plus strand). Cytogenetic location: 20p13.
Variant type: single nucleotide variant.
Coding change: c.257C>T on transcript NM_198994.3 (MANE Select); coding-DNA position 257, C replaced by T.
Protein change: p.Thr86Ile; replaces threonine 86 with isoleucine.
Molecular consequence: missense variant.
Genome position (GRCh38, 1-based): chr20:2,395,269, C>T. VCF-style: chr20-2395269-C-T. GRCh37 (hg19) VCF-style: chr20-2375915-C-T.
Other names: c.257C>T, p.Thr86Ile (NM_001254734.2); short protein forms T86I.
Identifiers: ClinVar variation 4853001 (VCV004853001.1).